The following is an entry in ClinVar:

ClinVar aggregate classification (germline): Benign/Likely benign (0 of 4 stars; one submission).

Submission:

GeneDx
Classification: Benign/Likely benign. Last evaluated: 2011-04-30. Review status: no assertion criteria provided. Collection method: clinical testing. Allele origin: not provided. Affected: yes. Observed: 2 variant alleles.
Comment: Likely benign (1), Benign (1)

GRCh38/hg38 10q26.3(chr10:132890906-132982094)x4

Genes: CFAP46 (cilia and flagella associated protein 46; minus strand), LINC01166 (long intergenic non-protein coding RNA 1166; minus strand), LINC01167 (long intergenic non-protein coding RNA 1167; minus strand), LINC01168 (long intergenic non-protein coding RNA 1168; plus strand), LOC126861103 (MED14-independent group 3 enhancer GRCh37_chr10:134705471-134706670; plus strand) and 2 more. Cytogenetic location: 10q26.3.
Variant type: copy number gain.
Change: copy number 4 of chr10:132,890,906-132,982,094 (91.2 kb, GRCh38 coordinates, 1-based), cytogenetic band 10q26.3.
Identifiers: ClinVar variation 152660 (VCV000152660.1).